The following is an entry in ClinVar:

ClinVar aggregate classification (germline): Uncertain significance. Review status: criteria provided, multiple submitters, no conflicts (2 of 4 stars). 2 submissions from 2 submitters: Uncertain significance (2). Last evaluated 2024-08-06.

Conditions:
RASopathy. Also called: Noonan spectrum disorder; rasopathies. Identifiers: Orphanet 536391, MedGen C5555857, MONDO:0021060.

Submissions (2):

Labcorp Genetics (formerly Invitae), Labcorp
Classification: Uncertain significance for RASopathy. Last evaluated: 2024-08-06. Review status: criteria provided, single submitter. Criteria: Invitae Variant Classification Sherloc (09022015). Collection method: clinical testing. Allele origin: germline.
Comment: This sequence change replaces phenylalanine, which is neutral and non-polar, with leucine, which is neutral and non-polar, at codon 151 of the RAF1 protein (p.Phe151Leu). This variant is not present in population databases (gnomAD no frequency). This variant has not been reported in the literature in individuals affected with RAF1-related conditions. ClinVar contains an entry for this variant (Variation ID: 1211507). Advanced modeling of protein sequence and biophysical properties (such as structural, functional, and spatial information, amino acid conservation, physicochemical variation, residue mobility, and thermodynamic stability) performed at Invitae indicates that this missense variant is expected to disrupt RAF1 protein function with a positive predictive value of 95%. In summary, the available evidence is currently insufficient to determine the role of this variant in disease. Therefore, it has been classified as a Variant of Uncertain Significance.

GeneDx
Classification: Uncertain significance. Last evaluated: 2019-12-07. Review status: criteria provided, single submitter. Criteria: GeneDx Variant Classification Process June 2021. Collection method: clinical testing. Allele origin: germline. Affected: yes.
Comment: Has not been previously published as pathogenic or benign to our knowledge; Not observed in large population cohorts (Lek et al., 2016); The majority of missense variants in this gene are considered pathogenic (Stenson et al., 2014); In silico analysis, which includes protein predictors and evolutionary conservation, supports a deleterious effect

NM_002880.4(RAF1):c.453C>A (p.Phe151Leu)

Gene: RAF1 (Raf-1 proto-oncogene, serine/threonine kinase; minus strand). Cytogenetic location: 3p25.2.
Variant type: single nucleotide variant.
Coding change: c.453C>A on transcript NM_002880.4 (MANE Select); coding-DNA position 453, C replaced by A.
Protein change: p.Phe151Leu; replaces phenylalanine 151 with leucine.
Molecular consequence: missense variant. On other transcripts: non-coding transcript variant (3).
Genome position (GRCh38, 1-based): chr3:12,608,894, G>T on the plus strand (C>A on the coding strand, the complement: RAF1 is on the minus strand). VCF-style: chr3-12608894-G-T. GRCh37 (hg19) VCF-style: chr3-12650393-G-T.
Other names: c.453C>A, p.Phe151Leu (NM_001354689.3, NM_001354690.3, NM_001354693.3); c.210C>A, p.Phe70Leu (NM_001354691.3, NM_001354692.3, NM_001354694.3 and 1 more transcripts); short protein forms F151L, F70L.
Identifiers: ClinVar variation 1211507 (VCV001211507.11), dbSNP rs2125416996, ClinGen allele CA351517572.